The following is an entry in ClinVar:

ClinVar aggregate classification (germline): Uncertain significance (1 of 4 stars; one submission).

Submission:

Labcorp Genetics (formerly Invitae), Labcorp
Classification: Uncertain significance. Last evaluated: 2025-10-02. Review status: criteria provided, single submitter. Criteria: Invitae Variant Classification Sherloc (09022015). Collection method: clinical testing. Allele origin: germline.
Comment: This sequence change creates a premature translational stop signal (p.Val91Trpfs*17) in the SIX5 gene. It is expected to result in an absent or disrupted protein product. However, the current clinical and genetic evidence is not sufficient to establish whether loss-of-function variants in SIX5 cause disease. This variant is not present in population databases (gnomAD no frequency). This variant has not been reported in the literature in individuals affected with SIX5-related conditions. Experimental studies and prediction algorithms are not available or were not evaluated, and the functional significance of this variant is currently unknown. In summary, the available evidence is currently insufficient to determine the role of this variant in disease. Therefore, it has been classified as a Variant of Uncertain Significance.

NM_175875.5(SIX5):c.271del (p.Val91fs)

Genes: DM1-AS (DM1 locus antisense RNA; plus strand), SIX5 (SIX homeobox 5; minus strand), LOC107075317 (origin of replication in DMPK trinucleotide repeat region; plus strand), LOC129929037 (ATAC-STARR-seq lymphoblastoid silent region 10794; plus strand). Cytogenetic location: 19q13.32.
Variant type: Deletion.
Coding change: c.271del on transcript NM_175875.5 (MANE Select); coding-DNA position 271, one base deleted (G; older notation c.271delG).
Protein change: p.Val91fs; shifts the reading frame from valine 91.
Molecular consequence: frameshift variant.
Genome position (GRCh38, 1-based): chr19:45,768,574, C deleted on the plus strand (G on the coding strand, the reverse complement: SIX5 is on the minus strand); the first of 2 consecutive C bases (chr19:45,768,574-45,768,575); deleting either gives the same sequence. VCF-style (leftmost placement, unchanged base first): chr19-45768573-AC-A. GRCh37 (hg19) VCF-style: chr19-46271831-AC-A.
Other names: short protein forms V91fs.
Identifiers: ClinVar variation 4728101 (VCV004728101.1).